The following is an entry in ClinVar:

NM_001458.5(FLNC):c.4889C>G (p.Ala1630Gly)

Gene: FLNC (filamin C; plus strand). Cytogenetic location: 7q32.1.
Variant type: single nucleotide variant.
Coding change: c.4889C>G on transcript NM_001458.5 (MANE Select); coding-DNA position 4889, C replaced by G.
Protein change: p.Ala1630Gly; replaces alanine 1630 with glycine.
Molecular consequence: missense variant.
Genome position (GRCh38, 1-based): chr7:128,848,944, C>G. VCF-style: chr7-128848944-C-G. GRCh37 (hg19) VCF-style: chr7-128488998-C-G.
Other names: c.4889C>G, p.Ala1630Gly (NM_001127487.2); short protein forms A1630G.
Identifiers: ClinVar variation 5037868 (VCV005037868.1).

ClinVar aggregate classification (germline): Uncertain significance (1 of 4 stars; one submission).

Conditions:
Cardiovascular phenotype. Identifiers: MedGen CN230736.

Submission:

Molecular Diagnostic Laboratory for Inherited Cardiovascular Disease, Montreal Heart Institute
Classification: Uncertain significance for Cardiovascular phenotype. Last evaluated: 2026-09-21. Review status: criteria provided, single submitter. Criteria: ACMG Guidelines, 2015. Collection method: clinical testing. Allele origin: germline. Affected: yes.
Comment: PM2